The following is an entry in ClinVar:

NM_007294.4(BRCA1):c.538A>G (p.Ile180Val)

Gene: BRCA1 (BRCA1 DNA repair associated; minus strand). Cytogenetic location: 17q21.31.
Variant type: single nucleotide variant.
Coding change: c.538A>G on transcript NM_007294.4 (MANE Select); coding-DNA position 538, A replaced by G.
Protein change: p.Ile180Val; replaces isoleucine 180 with valine.
Molecular consequence: missense variant. On other transcripts: non-coding transcript variant (1).
Genome position (GRCh38, 1-based): chr17:43,099,784, T>C on the plus strand (A>G on the coding strand, the complement: BRCA1 is on the minus strand). VCF-style: chr17-43099784-T-C. GRCh37 (hg19) VCF-style: chr17-41251801-T-C.
Other names: c.325A>G, p.Ile109Val (NM_001407571.1, NM_001407853.1, NM_001407894.1 and 18 more transcripts); c.538A>G, p.Ile180Val (NM_001407581.1, NM_001407582.1, NM_001407583.1 and 97 more transcripts); c.535A>G, p.Ile179Val (NM_001407587.1, NM_001407590.1, NM_001407591.1 and 65 more transcripts); c.529A>G, p.Ile177Val (NM_001407646.1, NM_001407647.1, NM_001408408.1); c.460A>G, p.Ile154Val (NM_001407653.1, NM_001407654.1, NM_001407655.1 and 12 more transcripts); c.457A>G, p.Ile153Val (NM_001407659.1, NM_001407660.1, NM_001407661.1 and 6 more transcripts); c.397A>G, p.Ile133Val (NM_001407692.1, NM_001407694.1, NM_001407695.1 and 61 more transcripts); c.394A>G, p.Ile132Val (NM_001407740.1, NM_001407741.1, NM_001407742.1 and 35 more transcripts); and 4 more; short protein forms I180V, I133V, I154V, I52V, I53V, I132V, I135V, I109V.
Identifiers: ClinVar variation 839084 (VCV000839084.20), dbSNP rs1555594803, ClinGen allele CA10601066.

ClinVar aggregate classification (germline): Conflicting classifications of pathogenicity. Review status: criteria provided, conflicting classifications (1 of 4 stars). 5 submissions from 5 submitters: Uncertain significance (4); Likely benign (1). Last evaluated 2025-09-03.

Conditions:
Hereditary breast ovarian cancer syndrome. Also called: Hereditary breast and/or ovarian cancer syndrome; BRCA1- and BRCA2-Associated Hereditary Breast and Ovarian Cancer; Hereditary breast and ovarian cancer syndrome; Hereditary breast and ovarian cancer; Hereditary breast and ovarian cancer syndrome (HBOC); Breast and ovarian cancer. Identifiers: Orphanet 145, MedGen C0677776, MeSH D061325, MONDO:0003582. Disease mechanism: loss of function.
Breast-ovarian cancer, familial, susceptibility to, 1 (BROVCA1). Also called: BRCA1 Hereditary Breast and Ovarian Cancer; OVARIAN CANCER, SUSCEPTIBILITY TO. Identifiers: Orphanet 145, MedGen C2676676, MONDO:0011450, OMIM 604370. Disease mechanism: loss of function.
Hereditary cancer-predisposing syndrome. Also called: Tumor predisposition; Hereditary Cancer Syndrome; Hereditary neoplastic syndrome; Neoplastic Syndromes, Hereditary. Identifiers: Orphanet 140162, MedGen C0027672, MeSH D009386, MONDO:0015356.

Allele frequency attached by ClinVar (database versions not stated): TOPMed below 0.00001.

Submissions (5):

Labcorp Genetics (formerly Invitae), Labcorp
Classification: Uncertain significance for Hereditary breast ovarian cancer syndrome. Last evaluated: 2025-09-03. Review status: criteria provided, single submitter. Criteria: Invitae Variant Classification Sherloc (09022015). Collection method: clinical testing. Allele origin: germline.
Comment: This sequence change replaces isoleucine, which is neutral and non-polar, with valine, which is neutral and non-polar, at codon 180 of the BRCA1 protein (p.Ile180Val). This variant is not present in population databases (gnomAD no frequency). This missense change has been observed in individual(s) with personal and/or family history of breast and/or ovarian cancer (PMID: 34981296). ClinVar contains an entry for this variant (Variation ID: 839084). Invitae Evidence Modeling of protein sequence and biophysical properties (such as structural, functional, and spatial information, amino acid conservation, physicochemical variation, residue mobility, and thermodynamic stability) indicates that this missense variant is expected to disrupt BRCA1 protein function with a positive predictive value of 80%. In summary, the available evidence is currently insufficient to determine the role of this variant in disease. Therefore, it has been classified as a Variant of Uncertain Significance.

Myriad Genetics, Inc.
Classification: Likely benign for Breast-ovarian cancer, familial, susceptibility to, 1. Last evaluated: 2025-08-07. Review status: criteria provided, single submitter. Criteria: Myriad Autosomal Dominant, Autosomal Recessive and X-Linked Classification Criteria (2023). Collection method: clinical testing. Allele origin: unknown.
Comment: This variant is considered likely benign. This variant is strongly associated with less severe personal and family histories of cancer, typical for individuals without pathogenic variants in this gene [PMID: 25085752].

Ambry Genetics
Classification: Uncertain significance for Hereditary cancer-predisposing syndrome. Last evaluated: 2023-12-18. Review status: criteria provided, single submitter. Criteria: Ambry Variant Classification Scheme 2023. Collection method: clinical testing. Allele origin: germline.
Comment: The p.I180V variant (also known as c.538A>G), located in coding exon 6 of the BRCA1 gene, results from an A to G substitution at nucleotide position 538. The isoleucine at codon 180 is replaced by valine, an amino acid with highly similar properties. This amino acid position is highly conserved in available vertebrate species. In addition, this alteration is predicted to be deleterious by in silico analysis. Since supporting evidence is limited at this time, the clinical significance of this alteration remains unclear.

Color Diagnostics, LLC DBA Color Health
Classification: Uncertain significance for Hereditary cancer-predisposing syndrome. Last evaluated: 2023-11-07. Review status: criteria provided, single submitter. Criteria: ACMG Guidelines, 2015. Collection method: clinical testing. Allele origin: germline.
Comment: This missense variant replaces isoleucine with valine at codon 180 of the BRCA1 protein. Computational prediction is inconclusive regarding the impact of this variant on protein structure and function. To our knowledge, functional studies have not been reported for this variant. This variant has not been reported in individuals affected with BRCA1-related disorders in the literature. This variant has not been identified in the general population by the Genome Aggregation Database (gnomAD). The available evidence is insufficient to determine the role of this variant in disease conclusively. Therefore, this variant is classified as a Variant of Uncertain Significance.

Mayo Clinic Laboratories, Mayo Clinic
Classification: Uncertain significance. Last evaluated: 2019-08-01. Review status: criteria provided, single submitter. Criteria: ACMG Guidelines, 2015. Collection method: clinical testing. Allele origin: germline. Observed: 1 variant allele.

Literature cited by the submitters: PubMed 34981296 (cited by Labcorp Genetics (formerly Invitae), Labcorp); PubMed 25085752 (cited by Myriad Genetics, Inc.).